The following is an entry in ClinVar:

NM_001267550.2(TTN):c.18379T>G (p.Cys6127Gly)

Genes: TTN (titin; minus strand), LOC126806430 (BRD4-independent group 4 enhancer GRCh37_chr2:179593794-179594993; plus strand). Cytogenetic location: 2q31.2.
Variant type: single nucleotide variant.
Coding change: c.18379T>G on transcript NM_001267550.2 (MANE Select); coding-DNA position 18379, T replaced by G.
Protein change: p.Cys6127Gly; replaces cysteine 6127 with glycine.
Molecular consequence: missense variant. On other transcripts: intron variant (3).
Genome position (GRCh38, 1-based): chr2:178,729,874, A>C on the plus strand (T>G on the coding strand, the complement: TTN is on the minus strand). VCF-style: chr2-178729874-A-C. GRCh37 (hg19) VCF-style: chr2-179594601-A-C.
Other names: p.C5810G:TGC>GGC; p.Cys5810Gly; c.13282+8208T>G (NM_003319.4); c.13858+8208T>G (NM_133437.4); c.13657+8208T>G (NM_133432.3); c.17428T>G, p.Cys5810Gly (NM_001256850.1); c.14647T>G, p.Cys4883Gly (NM_133378.4); short protein forms C5810G, C6127G, C4883G.
Identifiers: ClinVar variation 203270 (VCV000203270.36), dbSNP rs370812788, ClinGen allele CA311874.
Genomic context (GRCh38, chr2:178,729,874, plus strand): 5'-TTATTTCATTCCCGTCTAGATACCAAGACACTCGGATTTTAGGAGTGCCTGTTATTTGGC[A>C]TTCAAATGTTGTTGACTGTCCATTCCTCAGCACTAAGACTGGACTGGGCTTCTTAATGAA-3'
Protein context (NP_001254479.2, residues 6117-6137): LRNGQSTTFE[Cys6127Gly]QITGTPKIRV

ClinVar aggregate classification (germline): Conflicting classifications of pathogenicity. Review status: criteria provided, conflicting classifications (1 of 4 stars). 14 submissions from 14 submitters: Uncertain significance (2); Benign (3); Likely benign (5). 4 of the submissions do not count toward it. Last evaluated 2026-02-03.

Conditions:
Cardiovascular phenotype. Identifiers: MedGen CN230736.
TTN-related disorder. Also called: TTN-related condition; TTN-related disease; TTN-related disorders.
Autosomal recessive limb-girdle muscular dystrophy type 2J (LGMDR10). Also called: MUSCULAR DYSTROPHY, LIMB-GIRDLE, AUTOSOMAL RECESSIVE 10; Limb-girdle muscular dystrophy, type 2J. Identifiers: Orphanet 140922, MedGen C1837342, MONDO:0012127, OMIM 608807.
Dilated cardiomyopathy 1G (CMD1G). Identifiers: Orphanet 154, MedGen C1858763, MONDO:0011400, OMIM 604145.
Cardiomyopathy (CMYO). Also called: Cardiomyopathies. Identifiers: Orphanet 167848, MedGen C0878544, MONDO:0004994, HP:0001638. Inheritance: Various modes of inheritance.

Allele frequency attached by ClinVar (database versions not stated): gnomAD exomes 0.00010 and 0.00049; gnomAD 0.00011 and 0.00013; TOPMed 0.00024; 1000 Genomes Project 30x 0.00031; 1000 Genomes Project 0.00040; ExAC 0.00049.
gnomAD v4.1: 196 of 1,613,604 alleles (0.012%); highest among the groups gnomAD compares: East Asian, 0.33%; 1 homozygote.

Submissions (14):

Labcorp Genetics (formerly Invitae), Labcorp
Classification: Benign for Dilated cardiomyopathy 1G; Autosomal recessive limb-girdle muscular dystrophy type 2J. Last evaluated: 2026-02-03. Review status: criteria provided, single submitter. Criteria: Invitae Variant Classification Sherloc (09022015). Collection method: clinical testing. Allele origin: germline.

Mayo Clinic Laboratories, Mayo Clinic
Classification: Likely benign. Last evaluated: 2025-03-07. Review status: criteria provided, single submitter. Criteria: ACMG Guidelines, 2015. Collection method: clinical testing. Allele origin: germline. Observed: 2 variant alleles.
Comment: BS1, PP3

Blueprint Genetics
Classification: Likely benign. Last evaluated: 2024-11-11. Review status: criteria provided, single submitter. Criteria: ACMG Guidelines, 2015. Collection method: clinical testing. Allele origin: germline.

Women's Health and Genetics/Laboratory Corporation of America, LabCorp
Classification: Likely benign. Last evaluated: 2022-07-02. Review status: criteria provided, single submitter. Criteria: LabCorp Variant Classification Summary - May 2015. Collection method: clinical testing. Allele origin: germline.

CHEO Genetics Diagnostic Laboratory, Children's Hospital of Eastern Ontario
Classification: Benign for Cardiomyopathy. Last evaluated: 2021-05-13. Review status: criteria provided, single submitter. Criteria: ACMG Guidelines, 2015. Collection method: clinical testing. Allele origin: germline.

GeneDx
Classification: Likely benign. Last evaluated: 2020-08-04. Review status: criteria provided, single submitter. Criteria: GeneDx Variant Classification Process June 2021. Collection method: clinical testing. Allele origin: germline. Affected: yes.

Athena Diagnostics
Classification: Benign. Last evaluated: 2018-12-29. Review status: criteria provided, single submitter. Criteria: Athena Diagnostics Criteria. Collection method: clinical testing. Allele origin: germline.

Eurofins Ntd Llc (ga)
Classification: Uncertain significance. Last evaluated: 2017-01-13. Review status: criteria provided, single submitter. Criteria: EGL Classification Definitions 2015. Collection method: clinical testing. Allele origin: germline. Observed: 2 variant alleles, 2 heterozygotes.

Laboratory for Molecular Medicine, Mass General Brigham Personalized Medicine
Classification: Likely benign. Last evaluated: 2015-03-21. Review status: criteria provided, single submitter. Criteria: LMM Criteria. Collection method: clinical testing. Allele origin: germline. Observed: 1 variant allele.
Comment: p.Cys4883Gly in exon 60 of TTN: This variant is not expected to have clinical si gnificance because it has been identified in 0.7% (58/8346) of East Asian chromo somes by the Exome Aggregation Consortium (ExAC; dbSNP rs370812788).

Ambry Genetics
Classification: Uncertain significance for Cardiovascular phenotype. Last evaluated: 2013-05-24. Review status: criteria provided, single submitter. Criteria: Ambry Autosomal Dominant and X-Linked criteria (10/2015). Collection method: clinical testing. Allele origin: germline. Observed: 1 variant allele.
Comment: There is insufficient or conflicting evidence for classification of this alteration.

PreventionGenetics, part of Exact Sciences
Classification: Likely benign for TTN-related condition. Last evaluated: 2022-11-17. Review status: no assertion criteria provided. Collection method: clinical testing. Allele origin: germline. Not counted in ClinVar's aggregate classification.
Comment: This variant is classified as likely benign based on ACMG/AMP sequence variant interpretation guidelines (Richards et al. 2015 PMID: 25741868, with internal and published modifications).

Clinical Genetics DNA and cytogenetics Diagnostics Lab, Erasmus MC, Erasmus Medical Center
Classification: Likely benign. Review status: no assertion criteria provided. Collection method: clinical testing. Allele origin: germline. Affected: yes. Study: VKGL Data-share Consensus. Not counted in ClinVar's aggregate classification.

Clinical Genetics, Academic Medical Center
Classification: Benign. Review status: no assertion criteria provided. Collection method: clinical testing. Allele origin: germline. Affected: yes. Study: VKGL Data-share Consensus. Not counted in ClinVar's aggregate classification.

Genome Diagnostics Laboratory, University Medical Center Utrecht
Classification: Likely benign. Review status: no assertion criteria provided. Collection method: clinical testing. Allele origin: germline. Affected: yes. Study: VKGL Data-share Consensus. Not counted in ClinVar's aggregate classification.